The following is an entry in ClinVar:

ClinVar aggregate classification (germline): Uncertain significance. Review status: criteria provided, multiple submitters, no conflicts (2 of 4 stars). 5 submissions from 5 submitters: Uncertain significance (4). 1 of the submissions does not count toward it. Last evaluated 2026-03-23.

Conditions:
Inborn genetic diseases. Identifiers: MedGen C0950123, MeSH D030342.
Cohen syndrome (COH1). Also called: PEPPER SYNDROME; Cutis verticis gyrata, retinitis pigmentosa, and sensorineural deafness. Identifiers: Orphanet 193, MedGen C0265223, MONDO:0008999, OMIM 216550.
VPS13B-related disorder. Also called: VPS13B-related condition.

Allele frequency attached by ClinVar (database versions not stated): ExAC 0.00002; gnomAD 0.00003; TOPMed 0.00004; ESP Exome Variant Server 0.00015.
gnomAD v4.1: 28 of 1,613,734 alleles (0.0017%); highest among the groups gnomAD compares: African/African-American, 0.0053%; no homozygotes.

Submissions (5):

PreventionGenetics, part of Exact Sciences
Classification: Uncertain significance for VPS13B-related condition. Last evaluated: 2026-03-23. Review status: criteria provided, single submitter. Criteria: ACMG Guidelines, 2015. Collection method: clinical testing. Allele origin: germline.
Comment: The VPS13B c.7529G>A variant is predicted to result in the amino acid substitution p.Arg2510Gln. To our knowledge, this variant has not been reported in the literature. This variant is reported in 0.0080% of alleles in individuals of African descent in gnomAD. At this time, the clinical significance of this variant is uncertain due to the absence of conclusive functional and genetic evidence.

Ambry Genetics
Classification: Uncertain significance for Inborn genetic diseases. Last evaluated: 2024-12-03. Review status: criteria provided, single submitter. Criteria: Ambry Variant Classification Scheme 2023. Collection method: clinical testing. Allele origin: germline.

Labcorp Genetics (formerly Invitae), Labcorp
Classification: Uncertain significance for Cohen syndrome. Last evaluated: 2024-01-29. Review status: criteria provided, single submitter. Criteria: Invitae Variant Classification Sherloc (09022015). Collection method: clinical testing. Allele origin: germline.
Comment: This sequence change replaces arginine, which is basic and polar, with glutamine, which is neutral and polar, at codon 2535 of the VPS13B protein (p.Arg2535Gln). This variant is present in population databases (rs146092684, gnomAD 0.004%). This variant has not been reported in the literature in individuals affected with VPS13B-related conditions. ClinVar contains an entry for this variant (Variation ID: 844717). Advanced modeling of protein sequence and biophysical properties (such as structural, functional, and spatial information, amino acid conservation, physicochemical variation, residue mobility, and thermodynamic stability) performed at Invitae indicates that this missense variant is expected to disrupt VPS13B protein function with a positive predictive value of 80%. In summary, the available evidence is currently insufficient to determine the role of this variant in disease. Therefore, it has been classified as a Variant of Uncertain Significance.

Breakthrough Genomics
Classification: Uncertain significance. Review status: criteria provided, single submitter. Criteria: ACMG Guidelines, 2015. Collection method: not provided. Allele origin: germline. Inheritance: Autosomal recessive inheritance. Affected: yes.

Natera, Inc.
Classification: Uncertain significance for Cohen syndrome. Last evaluated: 2020-09-16. Review status: no assertion criteria provided. Collection method: clinical testing. Allele origin: germline. Not counted in ClinVar's aggregate classification.

NM_152564.5(VPS13B):c.7529G>A (p.Arg2510Gln)

Gene: VPS13B (vacuolar protein sorting 13 homolog B; plus strand). Cytogenetic location: 8q22.2.
Variant type: single nucleotide variant.
Coding change: c.7529G>A on transcript NM_152564.5 (MANE Select); coding-DNA position 7529, G replaced by A.
Protein change: p.Arg2510Gln; replaces arginine 2510 with glutamine.
Molecular consequence: missense variant.
Genome position (GRCh38, 1-based): chr8:99,778,781, G>A. VCF-style: chr8-99778781-G-A. GRCh37 (hg19) VCF-style: chr8-100791009-G-A.
Other names: c.7604G>A, p.Arg2535Gln (NM_017890.5); c.7529G>A (NM_152564.4); c.7604G>A (NM_017890.3); short protein forms R2535Q, R2510Q.
Identifiers: ClinVar variation 844717 (VCV000844717.8), dbSNP rs146092684, ClinGen allele CA4824242.
Genomic context (GRCh38, chr8:99,778,781, plus strand): 5'-ATATGCCATCTGAACTAGAATACATGATTGTTTCCTTCAGAGAACCACACATGTATCTTC[G>A]ACAGTGGAATAATGGTTCTGTCTGTCAGGAGATCCAGTTCTTAGCTCAAGCAGACTGTAA-3'
Protein context (NP_689777.3, residues 2500-2520): VSFREPHMYL[Arg2510Gln]QWNNGSVCQE